The following is an entry in ClinVar:

NM_000135.4(FANCA):c.1593C>A (p.Tyr531Ter)

Gene: FANCA (FA complementation group A; minus strand). Cytogenetic location: 16q24.3.
Variant type: single nucleotide variant.
Coding change: c.1593C>A on transcript NM_000135.4 (MANE Select); coding-DNA position 1593, C replaced by A.
Protein change: p.Tyr531Ter; replaces tyrosine 531 with a stop codon.
Molecular consequence: nonsense.
Genome position (GRCh38, 1-based): chr16:89,782,892, G>T on the plus strand (C>A on the coding strand, the complement: FANCA is on the minus strand). VCF-style: chr16-89782892-G-T. GRCh37 (hg19) VCF-style: chr16-89849300-G-T.
Other names: c.1593C>A, p.Tyr531Ter (NM_001286167.3); short protein forms Y531*.
Identifiers: ClinVar variation 1453290 (VCV001453290.6), dbSNP rs762342197, ClinGen allele CA397457981.
Genomic context (GRCh38, chr16:89,782,892, plus strand): 5'-GACCCTGCAGGGCTCAAGCAACATTACCTCAGTAATGTCCCCAGCTGATGACAAATCCTC[G>T]TAGAGTCCCATGTTTTCTATAGAAACCTTCAGGGAAGACACAGAATGAGAACAAGAAAAC-3'

ClinVar aggregate classification (germline): Pathogenic (1 of 4 stars; one submission).

Conditions:
Fanconi anemia (FA). Also called: Fanconi's anemia. Identifiers: Orphanet 84, MedGen C0015625, MeSH D005199, MONDO:0019391.

Submission:

Labcorp Genetics (formerly Invitae), Labcorp
Classification: Pathogenic for Fanconi anemia. Last evaluated: 2021-09-26. Review status: criteria provided, single submitter. Criteria: Invitae Variant Classification Sherloc (09022015). Collection method: clinical testing. Allele origin: germline.
Comment: This variant is not present in population databases (ExAC no frequency). This sequence change creates a premature translational stop signal (p.Tyr531*) in the FANCA gene. It is expected to result in an absent or disrupted protein product. Loss-of-function variants in FANCA are known to be pathogenic (PMID: 19367192). This variant has not been reported in the literature in individuals affected with FANCA-related conditions. For these reasons, this variant has been classified as Pathogenic.

Literature cited by the submitters: PubMed 19367192.